The following is an entry in ClinVar:

NM_004787.4(SLIT2):c.4246T>C (p.Cys1416Arg)

Gene: SLIT2 (slit guidance ligand 2; plus strand). Cytogenetic location: 4p15.31.
Variant type: single nucleotide variant.
Coding change: c.4246T>C on transcript NM_004787.4 (MANE Select); coding-DNA position 4246, T replaced by C.
Protein change: p.Cys1416Arg; replaces cysteine 1416 with arginine.
Molecular consequence: missense variant.
Genome position (GRCh38, 1-based): chr4:20,617,548, T>C. VCF-style: chr4-20617548-T-C. GRCh37 (hg19) VCF-style: chr4-20619171-T-C.
Other names: c.4234T>C, p.Cys1412Arg (NM_001289135.3); c.4222T>C, p.Cys1408Arg (NM_001289136.3); short protein forms C1408R, C1412R, C1416R.
Identifiers: ClinVar variation 3357949 (VCV003357949.1).

ClinVar aggregate classification (germline): Uncertain significance (0 of 4 stars; one submission).

Conditions:
SLIT2-related disorder. Also called: SLIT2-related condition.

Submission:

PreventionGenetics, part of Exact Sciences
Classification: Uncertain significance for SLIT2-related condition. Last evaluated: 2024-07-28. Review status: no assertion criteria provided. Collection method: clinical testing. Allele origin: germline.
Comment: The SLIT2 c.4246T>C variant is predicted to result in the amino acid substitution p.Cys1416Arg. To our knowledge, this variant has not been reported in the literature or in a large population database, indicating this variant is rare. At this time, the clinical significance of this variant is uncertain due to the absence of conclusive functional and genetic evidence.